The following is an entry in ClinVar:

ClinVar aggregate classification (germline): Pathogenic/Likely pathogenic. Review status: criteria provided, multiple submitters, no conflicts (2 of 4 stars). 2 submissions from 2 submitters: Pathogenic (1); Likely pathogenic (1). Last evaluated 2024-05-22.

Conditions:
ARMC9-related disorder. Also called: ARMC9-related condition.

Submissions (2):

Blueprint Genetics
Classification: Likely pathogenic for ARMC9-related disorders. Last evaluated: 2024-05-22. Review status: criteria provided, single submitter. Criteria: ACMG Guidelines, 2015. Collection method: clinical testing. Allele origin: germline. Affected: yes. Observed: 5 variant alleles.

Labcorp Genetics (formerly Invitae), Labcorp
Classification: Pathogenic. Last evaluated: 2024-04-03. Review status: criteria provided, single submitter. Criteria: Invitae Variant Classification Sherloc (09022015). Collection method: clinical testing. Allele origin: germline.
Comment: This sequence change creates a premature translational stop signal (p.Val506Serfs*17) in the ARMC9 gene. It is expected to result in an absent or disrupted protein product. Loss-of-function variants in ARMC9 are known to be pathogenic (PMID: 28625504). This variant is present in population databases (no rsID available, gnomAD 0.003%). This variant has not been reported in the literature in individuals affected with ARMC9-related conditions. For these reasons, this variant has been classified as Pathogenic.

Literature cited by the submitters: PubMed 28625504 (cited by Labcorp Genetics (formerly Invitae), Labcorp).

NM_001352754.2(ARMC9):c.1515del (p.Val506fs)

Gene: ARMC9 (armadillo repeat containing 9; plus strand). Cytogenetic location: 2q37.1.
Variant type: Deletion.
Coding change: c.1515del on transcript NM_001352754.2 (MANE Select); coding-DNA position 1515, one base deleted (A; older notation c.1515delA).
Protein change: p.Val506fs; shifts the reading frame from valine 506.
Molecular consequence: frameshift variant. On other transcripts: non-coding transcript variant (1).
Genome position (GRCh38, 1-based): chr2:231,278,422, A deleted; the last of 3 consecutive A bases (chr2:231,278,420-231,278,422); deleting any one gives the same sequence. VCF-style (leftmost placement, unchanged base first): chr2-231278419-CA-C. GRCh37 (hg19) VCF-style: chr2-232143132-CA-C.
Other names: c.1515del, p.Val506fs (NM_001271466.4, NM_001291656.2, NM_001352755.2 and 3 more transcripts); c.1416del, p.Val473fs (NM_001352757.2, NM_001352758.2); short protein forms V473fs, V506fs.
Identifiers: ClinVar variation 3629018 (VCV003629018.3).